The following is an entry in ClinVar:

ClinVar aggregate classification (germline): Benign (1 of 4 stars; one submission).

Conditions:
Isolated focal non-epidermolytic palmoplantar keratoderma. Also called: Palmoplantar keratoderma, nonepidermolytic, focal 2. Identifiers: Orphanet 448264, MedGen C4225339, MONDO:0014622, OMIM 616400.

Allele frequency attached by ClinVar (database versions not stated): gnomAD 0.00001; gnomAD exomes 0.00003 and 0.00017; TOPMed 0.00005; ExAC 0.00020.
gnomAD v4.1: 52 of 1,597,764 alleles (0.0033%); highest among the groups gnomAD compares: Admixed American, 0.079%; no homozygotes.

Submission:

Illumina Laboratory Services, Illumina
Classification: Benign for Isolated focal non-epidermolytic palmoplantar keratoderma. Last evaluated: 2018-01-12. Review status: criteria provided, single submitter. Criteria: ICSL Variant Classification Criteria 13 December 2019. Collection method: clinical testing. Allele origin: germline.
Comment: This variant was observed in the ICSL laboratory as part of a predisposition screen in an ostensibly healthy population. It had not been previously curated by ICSL or reported in the Human Gene Mutation Database (HGMD: prior to June 1st, 2018), and was therefore a candidate for classification through an automated scoring system. Utilizing variant allele frequency, disease prevalence and penetrance estimates, and inheritance mode, an automated score was calculated to assess if this variant is too frequent to cause the disease. Based on the score and internal cut-off values, a variant classified as benign is not then subjected to further curation. The score for this variant resulted in a classification of benign for this disease.

NM_145068.4(TRPV3):c.-2-8T>C

Gene: TRPV3 (transient receptor potential cation channel subfamily V member 3; minus strand). Cytogenetic location: 17p13.2.
Variant type: single nucleotide variant.
Coding change: c.-2-8T>C on transcript NM_145068.4 (MANE Select); 8 bases into the intron before 2 bases upstream of the start codon, T replaced by C.
Molecular consequence: intron variant.
Genome position (GRCh38, 1-based): chr17:3,554,860, A>G on the plus strand (T>C on the coding strand, the complement: TRPV3 is on the minus strand). VCF-style: chr17-3554860-A-G. GRCh37 (hg19) VCF-style: chr17-3458154-A-G.
Other names: c.-2-8T>C (NM_001258205.2).
Identifiers: ClinVar variation 322803 (VCV000322803.5), dbSNP rs762080322, ClinGen allele CA8290053.